The following is an entry in ClinVar:

NM_003901.4(SGPL1):c.1687G>C (p.Gly563Arg)

Gene: SGPL1 (sphingosine-1-phosphate lyase 1; plus strand). Cytogenetic location: 10q22.1.
Variant type: single nucleotide variant.
Coding change: c.1687G>C on transcript NM_003901.4 (MANE Select); coding-DNA position 1687, G replaced by C.
Protein change: p.Gly563Arg; replaces glycine 563 with arginine.
Molecular consequence: missense variant.
Genome position (GRCh38, 1-based): chr10:70,877,315, G>C. VCF-style: chr10-70877315-G-C. GRCh37 (hg19) VCF-style: chr10-72637072-G-C.
Other names: c.1687G>C (NM_003901.3); short protein forms G563R.
Identifiers: ClinVar variation 2176361 (VCV002176361.3), dbSNP rs368301588, ClinGen allele CA5541549.

ClinVar aggregate classification (germline): Uncertain significance. Review status: criteria provided, multiple submitters, no conflicts (2 of 4 stars). 2 submissions from 2 submitters: Uncertain significance (2). Last evaluated 2025-05-05.

Conditions:
Inborn genetic diseases. Identifiers: MedGen C0950123, MeSH D030342.

gnomAD v4.1: 11 of 1,614,042 alleles (0.00068%); highest among the groups gnomAD compares: African/African-American, 0.012%; no homozygotes.

Submissions (2):

Ambry Genetics
Classification: Uncertain significance for Inborn genetic diseases. Last evaluated: 2025-05-05. Review status: criteria provided, single submitter. Criteria: Ambry Variant Classification Scheme 2023. Collection method: clinical testing. Allele origin: germline.

Labcorp Genetics (formerly Invitae), Labcorp
Classification: Uncertain significance. Last evaluated: 2022-12-05. Review status: criteria provided, single submitter. Criteria: Invitae Variant Classification Sherloc (09022015). Collection method: clinical testing. Allele origin: germline.
Comment: In summary, the available evidence is currently insufficient to determine the role of this variant in disease. Therefore, it has been classified as a Variant of Uncertain Significance. Algorithms developed to predict the effect of missense changes on protein structure and function are either unavailable or do not agree on the potential impact of this missense change (SIFT: "Deleterious"; PolyPhen-2: "Probably Damaging"; Align-GVGD: "Class C0"). This variant has not been reported in the literature in individuals affected with SGPL1-related conditions. The frequency data for this variant in the population databases is considered unreliable, as metrics indicate poor data quality at this position in the gnomAD database. This sequence change replaces glycine, which is neutral and non-polar, with arginine, which is basic and polar, at codon 563 of the SGPL1 protein (p.Gly563Arg).